The following is an entry in ClinVar:

NM_012330.4(KAT6B):c.544A>G (p.Lys182Glu)

Gene: KAT6B (lysine acetyltransferase 6B; plus strand). Cytogenetic location: 10q22.2.
Variant type: single nucleotide variant.
Coding change: c.544A>G on transcript NM_012330.4 (MANE Select); coding-DNA position 544, A replaced by G.
Protein change: p.Lys182Glu; replaces lysine 182 with glutamic acid.
Molecular consequence: missense variant. On other transcripts: synonymous variant (2).
Genome position (GRCh38, 1-based): chr10:74,843,401, A>G. VCF-style: chr10-74843401-A-G. GRCh37 (hg19) VCF-style: chr10-76603159-A-G.
Other names: c.6A>G, p.Ala2= (NM_001370135.1, NM_001370134.1); c.544A>G, p.Lys182Glu (NM_001370136.1, NM_001370137.1, NM_001370138.1 and 10 more transcripts); short protein forms K182E.
Identifiers: ClinVar variation 3679005 (VCV003679005.2).

ClinVar aggregate classification (germline): Uncertain significance (1 of 4 stars; one submission).

Conditions:
Genitopatellar syndrome (GTPTS). Also called: ABSENT PATELLAE, SCROTAL HYPOPLASIA, RENAL ANOMALIES, FACIAL DYSMORPHISM, AND MENTAL RETARDATION; Genitopatellar syndrome (GPS). Identifiers: Orphanet 85201, MedGen C1853566, MONDO:0011640, OMIM 606170.

gnomAD v4.1: 3 of 1,613,846 alleles (0.00019%); highest among the groups gnomAD compares: Non-Finnish European, 0.00025%; no homozygotes.

Submission:

Labcorp Genetics (formerly Invitae), Labcorp
Classification: Uncertain significance for Genitopatellar syndrome. Last evaluated: 2024-10-15. Review status: criteria provided, single submitter. Criteria: Invitae Variant Classification Sherloc (09022015). Collection method: clinical testing. Allele origin: germline.
Comment: This sequence change replaces lysine, which is basic and polar, with glutamic acid, which is acidic and polar, at codon 182 of the KAT6B protein (p.Lys182Glu). This variant is present in population databases (no rsID available, gnomAD 0.0009%). This variant has not been reported in the literature in individuals affected with KAT6B-related conditions. Invitae Evidence Modeling of protein sequence and biophysical properties (such as structural, functional, and spatial information, amino acid conservation, physicochemical variation, residue mobility, and thermodynamic stability) indicates that this missense variant is not expected to disrupt KAT6B protein function with a negative predictive value of 80%. In summary, the available evidence is currently insufficient to determine the role of this variant in disease. Therefore, it has been classified as a Variant of Uncertain Significance.